The following is an entry in ClinVar:

NM_015629.4(PRPF31):c.870A>T (p.Lys290Asn)

Gene: PRPF31 (pre-mRNA processing factor 31; plus strand). Cytogenetic location: 19q13.42.
Variant type: single nucleotide variant.
Coding change: c.870A>T on transcript NM_015629.4 (MANE Select); coding-DNA position 870, A replaced by T.
Protein change: p.Lys290Asn; replaces lysine 290 with asparagine.
Molecular consequence: missense variant.
Genome position (GRCh38, 1-based): chr19:54,126,542, A>T. VCF-style: chr19-54126542-A-T. GRCh37 (hg19) VCF-style: chr19-54629917-A-T.
Other names: short protein forms K290N.
Identifiers: ClinVar variation 1714562 (VCV001714562.6), dbSNP rs769060905, ClinGen allele CA407751803.

ClinVar aggregate classification (germline): Uncertain significance (1 of 4 stars; one submission).

Allele frequency attached by ClinVar (database versions not stated): TOPMed below 0.00001; gnomAD 0.00001.
gnomAD v4.1: 1 of 1,613,294 alleles (0.000062%); highest among the groups gnomAD compares: Non-Finnish European, 0.000085%; no homozygotes.

Submission:

Labcorp Genetics (formerly Invitae), Labcorp
Classification: Uncertain significance. Last evaluated: 2022-07-15. Review status: criteria provided, single submitter. Criteria: Invitae Variant Classification Sherloc (09022015). Collection method: clinical testing. Allele origin: germline.
Comment: This sequence change replaces lysine, which is basic and polar, with asparagine, which is neutral and polar, at codon 290 of the PRPF31 protein (p.Lys290Asn). This variant is not present in population databases (gnomAD no frequency). This variant has not been reported in the literature in individuals affected with PRPF31-related conditions. Algorithms developed to predict the effect of missense changes on protein structure and function are either unavailable or do not agree on the potential impact of this missense change (SIFT: "Deleterious"; PolyPhen-2: "Possibly Damaging"; Align-GVGD: "Class C0"). In summary, the available evidence is currently insufficient to determine the role of this variant in disease. Therefore, it has been classified as a Variant of Uncertain Significance.